The following is an entry in ClinVar:

NM_058216.3(RAD51C):c.785T>A (p.Leu262Ter)

Gene: RAD51C (RAD51 paralog C; plus strand). Cytogenetic location: 17q22.
Variant type: single nucleotide variant.
Coding change: c.785T>A on transcript NM_058216.3 (MANE Select); coding-DNA position 785, T replaced by A.
Protein change: p.Leu262Ter; replaces leucine 262 with a stop codon.
Molecular consequence: nonsense. On other transcripts: non-coding transcript variant (1).
Genome position (GRCh38, 1-based): chr17:58,709,938, T>A. VCF-style: chr17-58709938-T-A. GRCh37 (hg19) VCF-style: chr17-56787299-T-A.
Other names: c.*213T>A (NM_058217.1); short protein forms L262*.
Identifiers: ClinVar variation 1760918 (VCV001760918.7), dbSNP rs2509313565, ClinGen allele CA400353999.
Genomic context (GRCh38, chr17:58,709,938, plus strand): 5'-ATGGTATTGCTTTTCCATTTCGTCATGACCTAGATGACCTGTCTCTTCGTACTCGGTTAT[T>A]AAATGGCCTAGCCCAGCAAATGATCAGCCTTGCAAATAATCACAGATTAGCTGTAAGTAT-3'

ClinVar aggregate classification (germline): Pathogenic. Review status: criteria provided, multiple submitters, no conflicts (2 of 4 stars). 2 submissions from 2 submitters: Pathogenic (2). Last evaluated 2024-06-21.

Conditions:
Hereditary cancer-predisposing syndrome. Also called: Neoplastic Syndromes, Hereditary; Tumor predisposition; Hereditary neoplastic syndrome; Hereditary Cancer Syndrome. Identifiers: Orphanet 140162, MedGen C0027672, MeSH D009386, MONDO:0015356.
Fanconi anemia complementation group O. Also called: RAD51C-Related Fanconi Anemia. Identifiers: Orphanet 84, MedGen C3150653, MONDO:0013248, OMIM 613390.

Submissions (2):

Labcorp Genetics (formerly Invitae), Labcorp
Classification: Pathogenic for Fanconi anemia complementation group O. Last evaluated: 2024-06-21. Review status: criteria provided, single submitter. Criteria: Invitae Variant Classification Sherloc (09022015). Collection method: clinical testing. Allele origin: germline.
Comment: This sequence change creates a premature translational stop signal (p.Leu262*) in the RAD51C gene. It is expected to result in an absent or disrupted protein product. Loss-of-function variants in RAD51C are known to be pathogenic (PMID: 20400964, 21990120, 24800917, 29278735). This variant is not present in population databases (gnomAD no frequency). This variant has not been reported in the literature in individuals affected with RAD51C-related conditions. ClinVar contains an entry for this variant (Variation ID: 1760918). For these reasons, this variant has been classified as Pathogenic.

Ambry Genetics
Classification: Pathogenic for Hereditary cancer-predisposing syndrome. Last evaluated: 2022-05-02. Review status: criteria provided, single submitter. Criteria: Ambry Variant Classification Scheme 2023. Collection method: clinical testing. Allele origin: germline.
Comment: The p.L262* pathogenic mutation (also known as c.785T>A), located in coding exon 5 of the RAD51C gene, results from a T to A substitution at nucleotide position 785. This changes the amino acid from a leucine to a stop codon within coding exon 5. This variant is considered to be rare based on population cohorts in the Genome Aggregation Database (gnomAD). This alteration is expected to result in loss of function by premature protein truncation or nonsense-mediated mRNA decay. As such, this alteration is interpreted as a disease-causing mutation.

Literature cited by the submitters: PubMed 20400964 (cited by Labcorp Genetics (formerly Invitae), Labcorp); PubMed 21990120 (cited by Labcorp Genetics (formerly Invitae), Labcorp); PubMed 24800917 (cited by Labcorp Genetics (formerly Invitae), Labcorp); PubMed 29278735 (cited by Labcorp Genetics (formerly Invitae), Labcorp).